The following is an entry in ClinVar:

NM_147686.4(TRAF3IP2):c.1193A>C (p.Glu398Ala)

Genes: TRAF3IP2 (TRAF3 interacting protein 2; minus strand), TRAF3IP2-AS1 (TRAF3IP2 antisense RNA 1; plus strand). Cytogenetic location: 6q21.
Variant type: single nucleotide variant.
Coding change: c.1193A>C on transcript NM_147686.4 (MANE Select); coding-DNA position 1193, A replaced by C.
Protein change: p.Glu398Ala; replaces glutamic acid 398 with alanine.
Molecular consequence: missense variant.
Genome position (GRCh38, 1-based): chr6:111,575,651, T>G on the plus strand (A>C on the coding strand, the complement: TRAF3IP2 is on the minus strand). VCF-style: chr6-111575651-T-G. GRCh37 (hg19) VCF-style: chr6-111896854-T-G.
Other names: c.1193A>C, p.Glu398Ala (NM_001164281.3); c.1220A>C, p.Glu407Ala (NM_147200.3); short protein forms E398A, E407A.
Identifiers: ClinVar variation 1017182 (VCV001017182.6), dbSNP rs764227946, ClinGen allele CA3963173.
Genomic context (GRCh38, chr6:111,575,651, plus strand): 5'-AAAAAAAAAAAAAAAAAAGAGGAAGGAGAGAACAATGTTGCAAACAACTTACGCAATTCT[T>G]CTGGCAAATTGCTTGTTTTTAGAGTTCCTCTGGCTGGAGGGTTGCTAGGGGGTCTAGGCA-3'
Protein context (NP_679211.2, residues 388-408): RGTLKTSNLP[Glu398Ala]ELRKVFITYS

ClinVar aggregate classification (germline): Uncertain significance (1 of 4 stars; one submission).

Conditions:
Candidiasis, familial, 8 (CANDF8). Identifiers: Orphanet 1334, MedGen C3714992, MONDO:0014230, OMIM 615527.

Allele frequency attached by ClinVar (database versions not stated): gnomAD exomes below 0.00001 and 0.00001; ExAC 0.00002.

Submission:

Labcorp Genetics (formerly Invitae), Labcorp
Classification: Uncertain significance for Candidiasis, familial, 8. Last evaluated: 2021-08-27. Review status: criteria provided, single submitter. Criteria: Invitae Variant Classification Sherloc (09022015). Collection method: clinical testing. Allele origin: germline.
Comment: This sequence change replaces glutamic acid with alanine at codon 398 of the TRAF3IP2 protein (p.Glu398Ala). The glutamic acid residue is highly conserved and there is a moderate physicochemical difference between glutamic acid and alanine. This variant is present in population databases (rs764227946, ExAC 0.003%). This variant has not been reported in the literature in individuals affected with TRAF3IP2-related conditions. Algorithms developed to predict the effect of missense changes on protein structure and function are either unavailable or do not agree on the potential impact of this missense change (SIFT: "Tolerated"; PolyPhen-2: "Probably Damaging"; Align-GVGD: "Class C0"). In summary, the available evidence is currently insufficient to determine the role of this variant in disease. Therefore, it has been classified as a Variant of Uncertain Significance.